The following is an entry in ClinVar:

NM_000506.5(F2):c.1040T>C (p.Leu347Pro)

Gene: F2 (coagulation factor II, thrombin; plus strand). Cytogenetic location: 11p11.2.
Variant type: single nucleotide variant.
Coding change: c.1040T>C on transcript NM_000506.5 (MANE Select); coding-DNA position 1040, T replaced by C.
Protein change: p.Leu347Pro; replaces leucine 347 with proline.
Molecular consequence: missense variant.
Genome position (GRCh38, 1-based): chr11:46,726,747, T>C. VCF-style: chr11-46726747-T-C. GRCh37 (hg19) VCF-style: chr11-46748297-T-C.
Other names: short protein forms L347P.
Identifiers: ClinVar variation 4996963 (VCV004996963.1).

ClinVar aggregate classification (germline): Uncertain significance (1 of 4 stars; one submission).

Conditions:
F2-related disorder. Also called: F2-related condition; F2-related disorders.

Submission:

PreventionGenetics, part of Exact Sciences
Classification: Uncertain significance for F2-related condition. Last evaluated: 2025-01-02. Review status: criteria provided, single submitter. Criteria: ACMG Guidelines, 2015. Collection method: clinical testing. Allele origin: germline.
Comment: The F2 c.1040T>C variant is predicted to result in the amino acid substitution p.Leu347Pro. To our knowledge, this variant has not been reported in the literature or in a large population database (gnomAD), indicating this variant is rare. At this time, the clinical significance of this variant is uncertain due to the absence of conclusive functional and genetic evidence.